The following is an entry in ClinVar:

NM_000019.4(ACAT1):c.1096A>G (p.Met366Val)

Gene: ACAT1 (acetyl-CoA acetyltransferase 1; plus strand). Cytogenetic location: 11q22.3.
Variant type: single nucleotide variant.
Coding change: c.1096A>G on transcript NM_000019.4 (MANE Select); coding-DNA position 1096, A replaced by G.
Protein change: p.Met366Val; replaces methionine 366 with valine.
Molecular consequence: missense variant. On other transcripts: non-coding transcript variant (2).
Genome position (GRCh38, 1-based): chr11:108,146,292, A>G. VCF-style: chr11-108146292-A-G. GRCh37 (hg19) VCF-style: chr11-108017019-A-G.
Other names: c.1096A>G, p.Met366Val (NM_001386677.1); c.781A>G, p.Met261Val (NM_001386678.1); c.799A>G, p.Met267Val (NM_001386679.1); c.826A>G, p.Met276Val (NM_001386681.1, NM_001386682.1, NM_001386685.1 and 6 more transcripts); short protein forms M276V, M366V, M261V, M267V.
Identifiers: ClinVar variation 1903341 (VCV001903341.4), dbSNP rs1565297833, ClinGen allele CA382508535.

ClinVar aggregate classification (germline): Uncertain significance (1 of 4 stars; one submission).

Conditions:
Deficiency of acetyl-CoA acetyltransferase. Also called: 3-KETOTHIOLASE DEFICIENCY; 3-OXOTHIOLASE DEFICIENCY; MITOCHONDRIAL ACETOACETYL-CoA THIOLASE DEFICIENCY; Beta-ketothiolase deficiency. Identifiers: Orphanet 134, MedGen C1536500, MONDO:0008760, OMIM 203750. Disease mechanism: loss of function.

gnomAD v4.1: 4 of 1,614,064 alleles (0.00025%); highest among the groups gnomAD compares: Admixed American, 0.0033%; no homozygotes.

Submission:

Labcorp Genetics (formerly Invitae), Labcorp
Classification: Uncertain significance for Deficiency of acetyl-CoA acetyltransferase. Last evaluated: 2024-04-05. Review status: criteria provided, single submitter. Criteria: Invitae Variant Classification Sherloc (09022015). Collection method: clinical testing. Allele origin: germline.
Comment: This sequence change replaces methionine, which is neutral and non-polar, with valine, which is neutral and non-polar, at codon 366 of the ACAT1 protein (p.Met366Val). This variant is not present in population databases (gnomAD no frequency). This variant has not been reported in the literature in individuals affected with ACAT1-related conditions. ClinVar contains an entry for this variant (Variation ID: 1903341). Advanced modeling of protein sequence and biophysical properties (such as structural, functional, and spatial information, amino acid conservation, physicochemical variation, residue mobility, and thermodynamic stability) has been performed at Invitae for this missense variant, however the output from this modeling did not meet the statistical confidence thresholds required to predict the impact of this variant on ACAT1 protein function. In summary, the available evidence is currently insufficient to determine the role of this variant in disease. Therefore, it has been classified as a Variant of Uncertain Significance.